The following is an entry in ClinVar:

ClinVar aggregate classification (germline): Uncertain significance (1 of 4 stars; one submission).

Allele frequency attached by ClinVar (database versions not stated): TOPMed below 0.00001; gnomAD 0.00001.
gnomAD v4.1: 1 of 1,614,078 alleles (0.000062%); highest among the groups gnomAD compares: Non-Finnish European, 0.000085%; no homozygotes.

Submission:

Ambry Genetics
Classification: Uncertain significance. Last evaluated: 2022-02-03. Review status: criteria provided, single submitter. Criteria: Ambry Variant Classification Scheme 2023. Collection method: clinical testing. Allele origin: germline.
Comment: The p.S1543T variant (also known as c.4628G>C), located in coding exon 4 of the ALPK2 gene, results from a G to C substitution at nucleotide position 4628. The serine at codon 1543 is replaced by threonine, an amino acid with similar properties. This amino acid position is conserved. In addition, this alteration is predicted to be tolerated by in silico analysis. Since supporting evidence is limited at this time, the clinical significance of this alteration remains unclear.

NM_052947.4(ALPK2):c.4628G>C (p.Ser1543Thr)

Genes: ALPK2 (alpha kinase 2; minus strand), LOC126862764 (BRD4-independent group 4 enhancer GRCh37_chr18:56202574-56203773; plus strand). Cytogenetic location: 18q21.31.
Variant type: single nucleotide variant.
Coding change: c.4628G>C on transcript NM_052947.4 (MANE Select); coding-DNA position 4628, G replaced by C.
Protein change: p.Ser1543Thr; replaces serine 1543 with threonine.
Molecular consequence: missense variant.
Genome position (GRCh38, 1-based): chr18:58,535,559, C>G on the plus strand (G>C on the coding strand, the complement: ALPK2 is on the minus strand). VCF-style: chr18-58535559-C-G. GRCh37 (hg19) VCF-style: chr18-56202791-C-G.
Other names: short protein forms S1543T.
Identifiers: ClinVar variation 1741989 (VCV001741989.2), dbSNP rs1473103972, ClinGen allele CA402560842.